The following is an entry in ClinVar:

ClinVar aggregate classification (germline): Uncertain significance (1 of 4 stars; one submission).

Allele frequency attached by ClinVar (database versions not stated): gnomAD exomes below 0.00001; TOPMed 0.00001.
gnomAD v4.1: 1 of 1,595,946 alleles (0.000063%); highest among the groups gnomAD compares: African/African-American, 0.0013%; no homozygotes.

Submission:

GeneDx
Classification: Uncertain significance. Last evaluated: 2023-01-21. Review status: criteria provided, single submitter. Criteria: GeneDx Variant Classification Process June 2021. Collection method: clinical testing. Allele origin: germline. Affected: yes.
Comment: Not observed at significant frequency in large population cohorts (gnomAD); In silico analysis supports that this missense variant does not alter protein structure/function; Has not been previously published as pathogenic or benign to our knowledge

NM_017617.5(NOTCH1):c.506G>A (p.Ser169Asn)

Gene: NOTCH1 (notch receptor 1; minus strand). Cytogenetic location: 9q34.3.
Variant type: single nucleotide variant.
Coding change: c.506G>A on transcript NM_017617.5 (MANE Select); coding-DNA position 506, G replaced by A.
Protein change: p.Ser169Asn; replaces serine 169 with asparagine.
Molecular consequence: missense variant.
Genome position (GRCh38, 1-based): chr9:136,523,086, C>T on the plus strand (G>A on the coding strand, the complement: NOTCH1 is on the minus strand). VCF-style: chr9-136523086-C-T. GRCh37 (hg19) VCF-style: chr9-139417538-C-T.
Other names: short protein forms S169N.
Identifiers: ClinVar variation 2573926 (VCV002573926.1), dbSNP rs984149150, ClinGen allele CA201590025.